The following is an entry in ClinVar:

ClinVar aggregate classification (germline): Pathogenic (0 of 4 stars; one submission).

Conditions:
Steinert myotonic dystrophy syndrome (DM1). Also called: STEINERT DISEASE; Myotonic dystrophy type 1; Dystrophia myotonica type 1; Steinert myotonic dystrophy; Steinert's disease. Identifiers: Orphanet 273, MedGen C3250443, MONDO:0008056, OMIM 160900.

Submission:

Institute of Molecular, Cell and Systems Biology, University of Glasgow
Classification: Pathogenic for Steinert myotonic dystrophy syndrome. Review status: no assertion criteria provided. Criteria: research. Collection method: research. Allele origin: germline. Inheritance: Autosomal dominant inheritance. Affected: yes. Observed: 1 heterozygote.
Comment: DMPK CTG repeat expansions greater than approximately 45-50 repeats are assumed to be pathogenic

This record is based on data published in PubMed 25052313, which reports only ClinVar accessions SCV000120188 and SCV000120189. The complete data set includes SCV000207445 - SCV000207579.

Literature cited by the submitters: PubMed 1346923; PubMed 1546326; PubMed 25052313.

NM_004409.5(DMPK):c.*224CTG[814]

Genes: DM1-AS (DM1 locus antisense RNA; plus strand), DMPK (DM1 protein kinase; minus strand), LOC107075317 (origin of replication in DMPK trinucleotide repeat region; plus strand), LOC109461477 (dystrophia myotonica protein kinase repeat instability region; plus strand). Cytogenetic location: 19q13.32.
Variant type: Microsatellite.
Coding change: c.*224CTG[814] on transcript NM_004409.5 (MANE Select); 814 copies in a row of the 3-base unit CTG starting at c.*224.
Molecular consequence: 3 prime UTR variant.
Genome position: GRCh38, VCF-style position (the base before the change): chr19:45,770,204. GRCh37 (hg19), VCF-style position (the base before the change): chr19:46,273,462.
Other names: DM1 CTG repeat expansion; c.*217CTG[814] (NM_001424162.1, NM_001081562.3, NM_001288765.2 and 2 more transcripts); c.*222_*224TGC[814] (NM_001081563.3); c.*224CTG[814] (NM_001288764.2, NM_001081560.3, NM_001424165.1 and 1 more transcripts); c.*369CTG[814] (NM_001288766.2, NM_001424164.1, NM_001424168.1).
Identifiers: ClinVar variation 188032 (VCV000188032.1), ClinGen allele CA915951862.